The following is an entry in ClinVar:

NM_002637.4(PHKA1):c.1057G>A (p.Glu353Lys)

Gene: PHKA1 (phosphorylase kinase regulatory subunit alpha 1; minus strand). Cytogenetic location: Xq13.1.
Variant type: single nucleotide variant.
Coding change: c.1057G>A on transcript NM_002637.4 (MANE Select); coding-DNA position 1057, G replaced by A.
Protein change: p.Glu353Lys; replaces glutamic acid 353 with lysine.
Molecular consequence: missense variant.
Genome position (GRCh38, 1-based): chrX:72,653,515, C>T on the plus strand (G>A on the coding strand, the complement: PHKA1 is on the minus strand). VCF-style: chrX-72653515-C-T. GRCh37 (hg19) VCF-style: chrX-71873365-C-T.
Other names: c.1057G>A, p.Glu353Lys (NM_001122670.2, NM_001172436.2); c.1057G>A (NM_002637.3); short protein forms E353K.
Identifiers: ClinVar variation 2081195 (VCV002081195.5), dbSNP rs201556231, ClinGen allele CA10450938.

ClinVar aggregate classification (germline): Uncertain significance. Review status: criteria provided, multiple submitters, no conflicts (2 of 4 stars). 2 submissions from 2 submitters: Uncertain significance (2). Last evaluated 2025-09-29.

Conditions:
Glycogen storage disease IXd (GSD9D). Also called: Muscle Phosphorylase Kinase Deficiency; GSD IXd. Identifiers: Orphanet 715, MedGen C1845151, MONDO:0010362, OMIM 300559.
Inborn genetic diseases. Identifiers: MedGen C0950123, MeSH D030342.

Allele frequency attached by ClinVar (database versions not stated): TOPMed 0.00001; gnomAD 0.00003; ExAC 0.00004; gnomAD exomes 0.00004; 1000 Genomes Project 30x 0.00021; 1000 Genomes Project 0.00026.
gnomAD v4.1: 45 of 1,186,675 alleles (0.0038%); highest among the groups gnomAD compares: East Asian, 0.12%; no homozygotes.

Submissions (2):

Labcorp Genetics (formerly Invitae), Labcorp
Classification: Uncertain significance for Glycogen storage disease IXd. Last evaluated: 2025-09-29. Review status: criteria provided, single submitter. Criteria: Invitae Variant Classification Sherloc (09022015). Collection method: clinical testing. Allele origin: germline.
Comment: This sequence change replaces glutamic acid, which is acidic and polar, with lysine, which is basic and polar, at codon 353 of the PHKA1 protein (p.Glu353Lys). The frequency data for this variant in the population databases is considered unreliable, as metrics indicate poor data quality at this position in the gnomAD database. This variant has not been reported in the literature in individuals affected with PHKA1-related conditions. ClinVar contains an entry for this variant (Variation ID: 2081195). Invitae Evidence Modeling of protein sequence and biophysical properties (such as structural, functional, and spatial information, amino acid conservation, physicochemical variation, residue mobility, and thermodynamic stability) indicates that this missense variant is not expected to disrupt PHKA1 protein function with a negative predictive value of 80%. In summary, the available evidence is currently insufficient to determine the role of this variant in disease. Therefore, it has been classified as a Variant of Uncertain Significance.

Ambry Genetics
Classification: Uncertain significance for Inborn genetic diseases. Last evaluated: 2025-04-24. Review status: criteria provided, single submitter. Criteria: Ambry Variant Classification Scheme 2023. Collection method: clinical testing. Allele origin: germline.